The following is an entry in ClinVar:

ClinVar aggregate classification (germline): Pathogenic. Review status: criteria provided, multiple submitters, no conflicts (2 of 4 stars). 2 submissions from 2 submitters: Pathogenic (2). Last evaluated 2024-07-01.

Conditions:
Pheochromocytoma/paraganglioma syndrome 5. Also called: Paragangliomas 5; SDHA-Related Hereditary Paraganglioma-Pheochromocytoma Syndrome. Identifiers: Orphanet 29072, MedGen C3279992, MONDO:0013602, OMIM 614165.
Mitochondrial complex II deficiency, nuclear type 1. Also called: SUCCINATE CoQ REDUCTASE DEFICIENCY. Identifiers: Orphanet 3208, MedGen C5700310, MONDO:0100294, OMIM 252011.

Submissions (2):

CeGaT Center for Human Genetics Tuebingen
Classification: Pathogenic. Last evaluated: 2024-07-01. Review status: criteria provided, single submitter. Criteria: CeGaT Center For Human Genetics Tuebingen Variant Classification Criteria Version 2. Collection method: clinical testing. Allele origin: germline. Affected: yes. Observed: 1 variant allele.
Comment: SDHA: PVS1, PM2

Labcorp Genetics (formerly Invitae), Labcorp
Classification: Pathogenic for Pheochromocytoma/paraganglioma syndrome 5; Mitochondrial complex II deficiency, nuclear type 1. Last evaluated: 2021-07-13. Review status: criteria provided, single submitter. Criteria: Invitae Variant Classification Sherloc (09022015). Collection method: clinical testing. Allele origin: germline.
Comment: This sequence change creates a premature translational stop signal (p.Val150Trpfs*4) in the SDHA gene. It is expected to result in an absent or disrupted protein product. Loss-of-function variants in SDHA are known to be pathogenic (PMID: 22974104, 24781757). This variant is not present in population databases (ExAC no frequency). This variant has not been reported in the literature in individuals affected with SDHA-related conditions. For these reasons, this variant has been classified as Pathogenic.

Literature cited by the submitters: PubMed 22974104 (cited by Labcorp Genetics (formerly Invitae), Labcorp); PubMed 24781757 (cited by Labcorp Genetics (formerly Invitae), Labcorp).

NM_004168.4(SDHA):c.447del (p.Val150fs)

Gene: SDHA (succinate dehydrogenase complex flavoprotein subunit A; plus strand). Cytogenetic location: 5p15.33.
Variant type: Deletion.
Coding change: c.447del on transcript NM_004168.4 (MANE Select); coding-DNA position 447, one base deleted (C; older notation c.447delC).
Protein change: p.Val150fs; shifts the reading frame from valine 150.
Molecular consequence: frameshift variant. On other transcripts: intron variant (1).
Genome position (GRCh38, 1-based): chr5:225,553, C deleted; the last of 2 consecutive C bases (chr5:225,552-225,553); deleting either gives the same sequence. VCF-style (leftmost placement, unchanged base first): chr5-225551-GC-G. GRCh37 (hg19) VCF-style: chr5-225666-GC-G.
Other names: c.447del, p.Val150fs (NM_001330758.2); c.313-330del (NM_001294332.2); short protein forms V150fs.
Identifiers: ClinVar variation 1458794 (VCV001458794.23), dbSNP rs2126547751, ClinGen allele CA2573138537.
Genomic context (GRCh38, chr5:225,551, plus strand): 5'-GGCTCCGACTGGCTGGGGGACCAGGATGCCATCCACTACATGACGGAGCAGGCCCCCGCC[GC>G]CGTGGTCGAGGTGATGGGCGGGAGGCTCTGGGTGTTCTCGTGGTCTGTTTCTAGTACAAA-3'